The following is an entry in ClinVar:

ClinVar aggregate classification (germline): Benign (1 of 4 stars; one submission).

Allele frequency attached by ClinVar (database versions not stated): 1000 Genomes Project 30x 0.37726; 1000 Genomes Project 0.37959; TOPMed 0.41461; gnomAD 0.42070 and 0.42248.

Submission:

GeneDx
Classification: Benign. Last evaluated: 2018-06-14. Review status: criteria provided, single submitter. Criteria: GeneDx Variant Classification (06012015). Collection method: clinical testing. Allele origin: germline. Affected: yes.
Comment: This variant is considered likely benign or benign based on one or more of the following criteria: it is a conservative change, it occurs at a poorly conserved position in the protein, it is predicted to be benign by multiple in silico algorithms, and/or has population frequency not consistent with disease.

NM_002495.4(NDUFS4):c.350+174_350+175del

Gene: NDUFS4 (NADH:ubiquinone oxidoreductase subunit S4; plus strand). Cytogenetic location: 5q11.2.
Variant type: Deletion.
Coding change: c.350+174_350+175del on transcript NM_002495.4 (MANE Select); bases 174 to 175 of the intron after coding-DNA position 350, 2 bases deleted (AA; older notation c.350+174_350+175delAA).
Molecular consequence: intron variant.
Genome position (GRCh38, 1-based): chr5:53,646,579-53,646,580, AA deleted. VCF-style (leftmost placement, unchanged base first): chr5-53646578-TAA-T. GRCh37 (hg19) VCF-style: chr5-52942408-TAA-T.
Other names: c.350+174_350+175del (NM_001318051.2).
Identifiers: ClinVar variation 683104 (VCV000683104.1), dbSNP rs10571887, ClinGen allele CA119135660.
Genomic context (GRCh38, chr5:53,646,578, plus strand): 5'-TTTGACGCTGTTAAGTACCACTGTGCTCAAAGATACACATTATATATTTAGATATTCAGA[TAA>T]GTGTGGCTTAGCACAGTAAACTATGACATAGTCTTTTTCAGAGTACTACTTACTAGATAA-3'